The following is an entry in ClinVar:

NM_000168.6(GLI3):c.2081C>G (p.Thr694Ser)

Gene: GLI3 (GLI family zinc finger 3; minus strand). Cytogenetic location: 7p14.1.
Variant type: single nucleotide variant.
Coding change: c.2081C>G on transcript NM_000168.6 (MANE Select); coding-DNA position 2081, C replaced by G.
Protein change: p.Thr694Ser; replaces threonine 694 with serine.
Molecular consequence: missense variant.
Genome position (GRCh38, 1-based): chr7:41,972,359, G>C on the plus strand (C>G on the coding strand, the complement: GLI3 is on the minus strand). VCF-style: chr7-41972359-G-C. GRCh37 (hg19) VCF-style: chr7-42011958-G-C.
Other names: short protein forms T694S.
Identifiers: ClinVar variation 4264151 (VCV004264151.2).

ClinVar aggregate classification (germline): Uncertain significance. Review status: criteria provided, multiple submitters, no conflicts (2 of 4 stars). 2 submissions from 2 submitters: Uncertain significance (2). Last evaluated 2025-08-13.

Conditions:
GLI3-related disorder. Also called: GLI3-related condition; GLI3-related disorders. Identifiers: MedGen CN239292.
Inborn genetic diseases. Identifiers: MedGen C0950123, MeSH D030342.

Submissions (2):

Ambry Genetics
Classification: Uncertain significance for Inborn genetic diseases. Last evaluated: 2025-08-13. Review status: criteria provided, single submitter. Criteria: Ambry Variant Classification Scheme 2023. Collection method: clinical testing. Allele origin: germline.

PreventionGenetics, part of Exact Sciences
Classification: Uncertain significance for GLI3-related condition. Last evaluated: 2024-12-14. Review status: criteria provided, single submitter. Criteria: ACMG Guidelines, 2015. Collection method: clinical testing. Allele origin: germline.
Comment: The GLI3 c.2081C>G variant is predicted to result in the amino acid substitution p.Thr694Ser. To our knowledge, this variant has not been reported in the literature or in a large population database (gnomAD), indicating this variant is rare. At this time, the clinical significance of this variant is uncertain due to the absence of conclusive functional and genetic evidence.